The following is an entry in ClinVar:

ClinVar aggregate classification (germline): Pathogenic (1 of 4 stars; one submission).

Conditions:
Familial thoracic aortic aneurysm and aortic dissection (TAAD). Also called: Thoracic aortic aneurysms and dissections. Identifiers: Orphanet 91387, MedGen C4707243, MONDO:0019625.

Submission:

Ambry Genetics
Classification: Pathogenic for Familial thoracic aortic aneurysm and aortic dissection. Last evaluated: 2021-09-09. Review status: criteria provided, single submitter. Criteria: Ambry Variant Classification Scheme 2023. Collection method: clinical testing. Allele origin: germline.
Comment: The c.100G>C (p.G34R) alteration is located in exon 1 (coding exon 1) of the SKI gene. This alteration results from a G to C substitution at nucleotide position 100, causing the glycine (G) at amino acid position 34 to be replaced by an arginine (R). This variant was not reported in population-based cohorts in the Genome Aggregation Database (gnomAD). Alterations affecting the same amino acid, p.G34S, p.G34D, p.G34A, p.G34C, p.G34V, have been reported in patients with Shprintzen-Goldberg syndrome (Carmignac, 2012; Doyle, 2012; Schepers, 2015). This amino acid position is highly conserved in available vertebrate species. This missense alteration is located in a region that has a low rate of benign missense variation (Lek, 2016; Firth, 2009). Functional studies showed that the SKI p.G34R mutant abolishes binding to phosphorylated SMAD2 and SMAD3 resulting in attenuation of TGF-&beta; induced transcriptional responses (Gori, 2021). This alteration is predicted to be deleterious by in silico analysis. Based on the available evidence, this alteration is classified as pathogenic.

Literature cited by the submitters: PubMed 23023332; PubMed 23103230; PubMed 24736733; PubMed 33416497.

NM_003036.4(SKI):c.100G>C (p.Gly34Arg)

Gene: SKI (SKI proto-oncogene; plus strand). Cytogenetic location: 1p36.33.
Variant type: single nucleotide variant.
Coding change: c.100G>C on transcript NM_003036.4 (MANE Select); coding-DNA position 100, G replaced by C.
Protein change: p.Gly34Arg; replaces glycine 34 with arginine.
Molecular consequence: missense variant.
Genome position (GRCh38, 1-based): chr1:2,228,866, G>C. VCF-style: chr1-2228866-G-C. GRCh37 (hg19) VCF-style: chr1-2160305-G-C.
Other names: short protein forms G34R.
Identifiers: ClinVar variation 2225761 (VCV002225761.2), dbSNP rs387907306, ClinGen allele CA337952088.